The following is an entry in ClinVar:

NM_021620.4(PRDM13):c.957G>C (p.Lys319Asn)

Genes: PRDM13 (PR/SET domain 13; plus strand), LOC129996881 (ATAC-STARR-seq lymphoblastoid silent region 17422; plus strand). Cytogenetic location: 6q16.2.
Variant type: single nucleotide variant.
Coding change: c.957G>C on transcript NM_021620.4 (MANE Select); coding-DNA position 957, G replaced by C.
Protein change: p.Lys319Asn; replaces lysine 319 with asparagine.
Molecular consequence: missense variant.
Genome position (GRCh38, 1-based): chr6:99,613,592, G>C. VCF-style: chr6-99613592-G-C. GRCh37 (hg19) VCF-style: chr6-100061468-G-C.
Other names: short protein forms K319N.
Identifiers: ClinVar variation 4765341 (VCV004765341.1).

ClinVar aggregate classification (germline): Uncertain significance (1 of 4 stars; one submission).

gnomAD v4.1: 4 of 1,496,232 alleles (0.00027%); highest among the groups gnomAD compares: Non-Finnish European, 0.00035%; no homozygotes.

Submission:

Labcorp Genetics (formerly Invitae), Labcorp
Classification: Uncertain significance. Last evaluated: 2025-05-22. Review status: criteria provided, single submitter. Criteria: Invitae Variant Classification Sherloc (09022015). Collection method: clinical testing. Allele origin: germline.
Comment: This sequence change replaces lysine, which is basic and polar, with asparagine, which is neutral and polar, at codon 319 of the PRDM13 protein (p.Lys319Asn). This variant is present in population databases (no rsID available, gnomAD 0.003%). This variant has not been reported in the literature in individuals affected with PRDM13-related conditions. An algorithm developed to predict the effect of missense changes on protein structure and function (PolyPhen-2) suggests that this variant is likely to be tolerated. In summary, the available evidence is currently insufficient to determine the role of this variant in disease. Therefore, it has been classified as a Variant of Uncertain Significance.